The following is an entry in ClinVar:

NM_024675.4(PALB2):c.3485T>C (p.Val1162Ala)

Gene: PALB2 (partner and localizer of BRCA2; minus strand). Cytogenetic location: 16p12.2.
Variant type: single nucleotide variant.
Coding change: c.3485T>C on transcript NM_024675.4 (MANE Select); coding-DNA position 3485, T replaced by C.
Protein change: p.Val1162Ala; replaces valine 1162 with alanine.
Molecular consequence: missense variant. On other transcripts: 3 prime UTR variant (5).
Genome position (GRCh38, 1-based): chr16:23,603,535, A>G on the plus strand (T>C on the coding strand, the complement: PALB2 is on the minus strand). VCF-style: chr16-23603535-A-G. GRCh37 (hg19) VCF-style: chr16-23614856-A-G.
Other names: c.2438T>C, p.Val813Ala (NM_001407307.1); c.2363T>C, p.Val788Ala (NM_001407308.1, NM_001407309.1); c.*120T>C (NM_001407310.1, NM_001407311.1, NM_001407313.1 and 2 more transcripts); c.1697T>C, p.Val566Ala (NM_001407312.1); c.1019T>C, p.Val340Ala (NM_001407314.1); c.2600T>C, p.Val867Ala (NM_001407304.1, NM_001407305.1, NM_001407306.1); c.3425T>C, p.Val1142Ala (NM_001407296.1); c.3413T>C, p.Val1138Ala (NM_001407297.1); and 3 more; short protein forms V1142A, V1162A, V813A, V867A, V566A, V788A, V1069A, V1108A.
Identifiers: ClinVar variation 5026153 (VCV005026153.1).
Genomic context (GRCh38, chr16:23,603,535, plus strand): 5'-ACAAATATATTTCCATCTTTTTGTCCAGCCAGCAAATGAGAGTCTGTACCCGACCATTTC[A>G]CAAAAGACCAATGTTGGTCAGAGACAGGTGGGAGGAGGGCAGTACACTGACCGAGAAGTA-3'
Protein context (NP_078951.2, residues 1152-1172): PPVSDQHWSF[Val1162Ala]KWSGTDSHLL

ClinVar aggregate classification (germline): Uncertain significance (1 of 4 stars; one submission).

Conditions:
Hereditary cancer-predisposing syndrome. Also called: Neoplastic Syndromes, Hereditary; Tumor predisposition; Hereditary neoplastic syndrome; Hereditary Cancer Syndrome. Identifiers: Orphanet 140162, MedGen C0027672, MeSH D009386, MONDO:0015356.

gnomAD v4.1: 1 of 1,614,082 alleles (0.000062%); highest among the groups gnomAD compares: Non-Finnish European, 0.000085%; no homozygotes.

Submission:

Ambry Genetics
Classification: Uncertain significance for Hereditary cancer-predisposing syndrome. Last evaluated: 2026-07-06. Review status: criteria provided, single submitter. Criteria: Ambry Variant Classification Scheme 2023. Collection method: clinical testing. Allele origin: germline.
Comment: The p.V1162A variant (also known as c.3485T>C), located in coding exon 13 of the PALB2 gene, results from a T to C substitution at nucleotide position 3485. The valine at codon 1162 is replaced by alanine, an amino acid with similar properties. This amino acid position is conserved. In addition, this alteration is predicted to be tolerated by in silico analysis. Based on the available evidence, the clinical significance of this variant remains unclear.